The following is an entry in ClinVar:

ClinVar aggregate classification (germline): Uncertain significance. Review status: criteria provided, multiple submitters, no conflicts (2 of 4 stars). 8 submissions from 8 submitters: Uncertain significance (8). Last evaluated 2025-12-22.

Conditions:
Hereditary cancer-predisposing syndrome. Also called: Tumor predisposition; Hereditary Cancer Syndrome; Hereditary neoplastic syndrome; Neoplastic Syndromes, Hereditary. Identifiers: Orphanet 140162, MedGen C0027672, MeSH D009386, MONDO:0015356.
Hereditary breast ovarian cancer syndrome. Also called: Hereditary breast and ovarian cancer; Hereditary breast and/or ovarian cancer syndrome; BRCA1- and BRCA2-Associated Hereditary Breast and Ovarian Cancer; Hereditary breast and ovarian cancer syndrome; Hereditary breast and ovarian cancer syndrome (HBOC); Breast and ovarian cancer. Identifiers: Orphanet 145, MedGen C0677776, MeSH D061325, MONDO:0003582. Disease mechanism: loss of function.
Familial pancreatic carcinoma. Identifiers: Orphanet 1333, MedGen C2931038, MONDO:0015278, OMIM 260350.

Submissions (8):

Labcorp Genetics (formerly Invitae), Labcorp
Classification: Uncertain significance for Hereditary breast ovarian cancer syndrome. Last evaluated: 2025-12-22. Review status: criteria provided, single submitter. Criteria: Invitae Variant Classification Sherloc (09022015). Collection method: clinical testing. Allele origin: germline.
Comment: This variant, c.5882_5884del, results in the deletion of 1 amino acid(s) of the BRCA2 protein (p.Ser1961del), but otherwise preserves the integrity of the reading frame. This variant is not present in population databases (gnomAD no frequency). This variant has not been reported in the literature in individuals affected with BRCA2-related conditions. ClinVar contains an entry for this variant (Variation ID: 409520). Experimental studies and prediction algorithms are not available or were not evaluated, and the functional significance of this variant is currently unknown. In summary, the available evidence is currently insufficient to determine the role of this variant in disease. Therefore, it has been classified as a Variant of Uncertain Significance.

Ambry Genetics
Classification: Uncertain significance for Hereditary cancer-predisposing syndrome. Last evaluated: 2025-08-08. Review status: criteria provided, single submitter. Criteria: Ambry Variant Classification Scheme 2023. Collection method: clinical testing. Allele origin: germline.
Comment: The c.5882_5884delGTA variant (also known as p.S1961del) is located in coding exon 10 of the BRCA2 gene. This variant results from an in-frame GTA deletion at nucleotide positions 5882 to 5884. This results in the in-frame deletion of a serine at codon 1961. This amino acid position is poorly conserved in available vertebrate species. In addition, this variant is predicted to be deleterious by in silico analysis (Choi Y et al. PLoS ONE. 2012; 7(10):e46688). Based on the available evidence, the clinical significance of this variant remains unclear.

Quest Diagnostics Nichols Institute San Juan Capistrano
Classification: Uncertain significance. Last evaluated: 2025-07-08. Review status: criteria provided, single submitter. Criteria: Quest Diagnostics criteria. Collection method: clinical testing. Allele origin: unknown.
Comment: The BRCA2 c.5882_5884del (p.Ser1961del) variant has been reported in the published literature in an individual with breast cancer (PMID: 38709234 (2024)). This variant has not been reported in large, multi-ethnic general populations (Genome Aggregation Database). Based on the available information, we are unable to determine the clinical significance of this variant.

Department of Pathology and Laboratory Medicine, Sinai Health System
Classification: Uncertain significance for Hereditary breast ovarian cancer syndrome; Familial pancreatic carcinoma. Last evaluated: 2023-05-29. Review status: criteria provided, single submitter. Criteria: ACMG Guidelines, 2015. Collection method: clinical testing. Allele origin: germline. Affected: yes.

GeneDx
Classification: Uncertain significance. Last evaluated: 2023-05-09. Review status: criteria provided, single submitter. Criteria: GeneDx Variant Classification Process June 2021. Collection method: clinical testing. Allele origin: germline. Affected: yes.
Comment: In-frame deletion of 1 amino acid in a non-repeat region; Has not been previously published as pathogenic or benign to our knowledge; Not observed at significant frequency in large population cohorts (gnomAD); In silico analysis supports a deleterious effect on protein structure/function; Also known as 6110_6112del

Mendelics
Classification: Uncertain significance. Last evaluated: 2022-05-04. Review status: criteria provided, single submitter. Criteria: Mendelics Assertion Criteria 2019. Collection method: clinical testing. Allele origin: germline.

Color Diagnostics, LLC DBA Color Health
Classification: Uncertain significance for Hereditary cancer-predisposing syndrome. Last evaluated: 2019-06-08. Review status: criteria provided, single submitter. Criteria: ACMG Guidelines, 2015. Collection method: clinical testing. Allele origin: germline.

Women's Health and Genetics/Laboratory Corporation of America, LabCorp
Classification: Uncertain significance. Last evaluated: 2016-05-02. Review status: criteria provided, single submitter. Criteria: LabCorp Variant Classification Summary - May 2015. Collection method: clinical testing. Allele origin: germline.
Comment: Variant summary: The c.5882_5884delGTA involves the deletion of 3 nucleotides, resulting in an in frame deletion of amino acid change Ser. Mutation taster predicts disease-causing outcome for this variant. This variant is not found in 120970 control chromosomes. The variant of interest has not, to our knowledge, been reported in affected individuals via publications and/or reputable databases/clinical laboratories; nor evaluated for functional impact by in vivo/vitro studies. Because of the absence of clinical information and the lack of functional studies, the variant was classified as a variant of uncertain significance (VUS) until additional information becomes available.

Literature cited by the submitters: PubMed 38709234 (cited by Quest Diagnostics Nichols Institute San Juan Capistrano).

NM_000059.4(BRCA2):c.5879GTA[1] (p.Ser1961del)

Gene: BRCA2 (BRCA2 DNA repair associated; plus strand). Cytogenetic location: 13q13.1.
Variant type: Microsatellite.
Coding change: c.5879GTA[1] on transcript NM_000059.4 (MANE Select); one copy of the 3-base unit GTA starting at c.5879; the reference has two copies in a row; one copy, 3 bases deleted.
Protein change: p.Ser1961del; deletes serine 1961.
Molecular consequence: inframe deletion.
Genome position (GRCh38, 1-based): chr13:32,340,237-32,340,239, GTA deleted; deleting any 3 consecutive bases within chr13:32,340,234-32,340,239 gives the same sequence; the position shown is the placement nearest the transcript's 3' end. VCF-style (leftmost placement, unchanged base first): chr13-32340233-TGTA-T. GRCh37 (hg19) VCF-style: chr13-32914370-TGTA-T.
Other names: c.5882_5884delGTA (NM_000059.3); short protein forms S1961del.
Identifiers: ClinVar variation 409520 (VCV000409520.20), dbSNP rs1026127409, ClinGen allele CA16614328.